The following is an entry in ClinVar:

ClinVar aggregate classification (germline): Uncertain significance (1 of 4 stars; one submission).

Conditions:
Hereditary cancer-predisposing syndrome. Also called: Neoplastic Syndromes, Hereditary; Tumor predisposition; Hereditary Cancer Syndrome; Hereditary neoplastic syndrome. Identifiers: Orphanet 140162, MedGen C0027672, MeSH D009386, MONDO:0015356.

Submission:

Ambry Genetics
Classification: Uncertain significance for Hereditary cancer-predisposing syndrome. Last evaluated: 2017-02-22. Review status: criteria provided, single submitter. Criteria: Ambry Variant Classification Scheme 2023. Collection method: clinical testing. Allele origin: germline.
Comment: The p.T509P variant (also known as c.1525A>C), located in coding exon 10 of the CDH1 gene, results from an A to C substitution at nucleotide position 1525. The threonine at codon 509 is replaced by proline, an amino acid with highly similar properties. This amino acid position is well conserved in available vertebrate species. In addition, this alteration is predicted to be deleterious by in silico analysis. Since supporting evidence is limited at this time, the clinical significance of this alteration remains unclear.

NM_004360.5(CDH1):c.1525A>C (p.Thr509Pro)

Gene: CDH1 (cadherin 1; plus strand). Cytogenetic location: 16q22.1.
Variant type: single nucleotide variant.
Coding change: c.1525A>C on transcript NM_004360.5 (MANE Select); coding-DNA position 1525, A replaced by C.
Protein change: p.Thr509Pro; replaces threonine 509 with proline.
Molecular consequence: missense variant. On other transcripts: 5 prime UTR variant (2).
Genome position (GRCh38, 1-based): chr16:68,815,719, A>C. VCF-style: chr16-68815719-A-C. GRCh37 (hg19) VCF-style: chr16-68849622-A-C.
Other names: c.1342A>C, p.Thr448Pro (NM_001317184.2); c.-24A>C (NM_001317185.2); c.-295A>C (NM_001317186.2); c.1525A>C (LRG_301t1); short protein forms T509P, T448P.
Identifiers: ClinVar variation 483262 (VCV000483262.5), dbSNP rs761356661, ClinGen allele CA396463431.
Genomic context (GRCh38, chr16:68,815,719, plus strand): 5'-CCTGAAAAGAGAGTGGAAGTGTCCGAGGACTTTGGCGTGGGCCAGGAAATCACATCCTAC[A>C]CTGCCCAGGAGCCAGACACATTTATGGAACAGAAAATAACGTAAGTGTGAGGATTTTTCA-3'
Protein context (NP_004351.1, residues 499-519): FGVGQEITSY[Thr509Pro]AQEPDTFMEQ